The following is an entry in ClinVar:

NM_177438.3(DICER1):c.427A>G (p.Thr143Ala)

Gene: DICER1 (dicer 1, ribonuclease III; minus strand). Cytogenetic location: 14q32.13.
Variant type: single nucleotide variant.
Coding change: c.427A>G on transcript NM_177438.3 (MANE Select); coding-DNA position 427, A replaced by G.
Protein change: p.Thr143Ala; replaces threonine 143 with alanine.
Molecular consequence: missense variant.
Genome position (GRCh38, 1-based): chr14:95,131,520, T>C on the plus strand (A>G on the coding strand, the complement: DICER1 is on the minus strand). VCF-style: chr14-95131520-T-C. GRCh37 (hg19) VCF-style: chr14-95597857-T-C.
Other names: c.427A>G, p.Thr143Ala (NM_001195573.1, NM_001271282.3, NM_001291628.2 and 1 more transcripts); short protein forms T143A.
Identifiers: ClinVar variation 412092 (VCV000412092.10), dbSNP rs1060503612, ClinGen allele CA16614566.

ClinVar aggregate classification (germline): Uncertain significance (1 of 4 stars; one submission).

Conditions:
DICER1-related tumor predisposition. Also called: DICER1-related pleuropulmonary blastoma cancer predisposition syndrome; DICER1 syndrome. Identifiers: Orphanet 284343, MedGen C3839822, MONDO:0100216.

Allele frequency attached by ClinVar (database versions not stated): gnomAD exomes below 0.00001.

Submission:

Labcorp Genetics (formerly Invitae), Labcorp
Classification: Uncertain significance for DICER1-related tumor predisposition. Last evaluated: 2023-07-17. Review status: criteria provided, single submitter. Criteria: Invitae Variant Classification Sherloc (09022015). Collection method: clinical testing. Allele origin: germline.
Comment: This sequence change replaces threonine, which is neutral and polar, with alanine, which is neutral and non-polar, at codon 143 of the DICER1 protein (p.Thr143Ala). In summary, the available evidence is currently insufficient to determine the role of this variant in disease. Therefore, it has been classified as a Variant of Uncertain Significance. Advanced modeling of protein sequence and biophysical properties (such as structural, functional, and spatial information, amino acid conservation, physicochemical variation, residue mobility, and thermodynamic stability) performed at Invitae indicates that this missense variant is not expected to disrupt DICER1 protein function. ClinVar contains an entry for this variant (Variation ID: 412092). This variant has not been reported in the literature in individuals affected with DICER1-related conditions. This variant is present in population databases (no rsID available, gnomAD 0.006%).